The following is an entry in ClinVar:

ClinVar aggregate classification (germline): Uncertain significance (1 of 4 stars; one submission).

Submission:

Labcorp Genetics (formerly Invitae), Labcorp
Classification: Uncertain significance. Last evaluated: 2023-12-14. Review status: criteria provided, single submitter. Criteria: Invitae Variant Classification Sherloc (09022015). Collection method: clinical testing. Allele origin: germline.
Comment: This sequence change replaces aspartic acid, which is acidic and polar, with alanine, which is neutral and non-polar, at codon 126 of the ROR2 protein (p.Asp126Ala). This variant is not present in population databases (gnomAD no frequency). This variant has not been reported in the literature in individuals affected with ROR2-related conditions. An algorithm developed to predict the effect of missense changes on protein structure and function (PolyPhen-2) suggests that this variant is likely to be disruptive. In summary, the available evidence is currently insufficient to determine the role of this variant in disease. Therefore, it has been classified as a Variant of Uncertain Significance.

NM_004560.4(ROR2):c.377A>C (p.Asp126Ala)

Gene: ROR2 (receptor tyrosine kinase like orphan receptor 2; minus strand). Cytogenetic location: 9q22.31.
Variant type: single nucleotide variant.
Coding change: c.377A>C on transcript NM_004560.4 (MANE Select); coding-DNA position 377, A replaced by C.
Protein change: p.Asp126Ala; replaces aspartic acid 126 with alanine.
Molecular consequence: missense variant.
Genome position (GRCh38, 1-based): chr9:91,757,358, T>G on the plus strand (A>C on the coding strand, the complement: ROR2 is on the minus strand). VCF-style: chr9-91757358-T-G. GRCh37 (hg19) VCF-style: chr9-94519640-T-G.
Other names: c.377A>C, p.Asp126Ala (NM_001318204.2); short protein forms D126A.
Identifiers: ClinVar variation 2696998 (VCV002696998.3), dbSNP rs763445626, ClinGen allele CA373840610.
Genomic context (GRCh38, chr9:91,757,358, plus strand): 5'-GCGGTAATGGTCTTCATCCCGTTGGTGGCCACGCACTGGTAGTAGCCAGTGTCTGTCGTG[T>G]CCAGGTCCTGGATTCGCAGTCGTGAACCATATTCTGTCTTCCGGATGATGATCCGCCGCG-3'
Protein context (NP_004551.2, residues 116-136): YGSRLRIQDL[Asp126Ala]TTDTGYYQCV